The following is an entry in ClinVar:

ClinVar aggregate classification (germline): Uncertain significance (1 of 4 stars; one submission).

Conditions:
Inborn genetic diseases. Identifiers: MedGen C0950123, MeSH D030342.

Submission:

Ambry Genetics
Classification: Uncertain significance for Inborn genetic diseases. Last evaluated: 2025-12-14. Review status: criteria provided, single submitter. Criteria: Ambry Variant Classification Scheme 2023. Collection method: clinical testing. Allele origin: germline.
Comment: The p.G775A variant (also known as c.2324G>C), located in coding exon 14 of the RECQL4 gene, results from a G to C substitution at nucleotide position 2324. The glycine at codon 775 is replaced by alanine, an amino acid with similar properties. This amino acid position is conserved. In addition, this alteration is predicted to be deleterious by in silico analysis. Based on the available evidence, the clinical significance of this variant remains unclear.

NM_004260.4(RECQL4):c.2324G>C (p.Gly775Ala)

Gene: RECQL4 (RecQ like helicase 4; minus strand). Cytogenetic location: 8q24.3.
Variant type: single nucleotide variant.
Coding change: c.2324G>C on transcript NM_004260.4 (MANE Select); coding-DNA position 2324, G replaced by C.
Protein change: p.Gly775Ala; replaces glycine 775 with alanine.
Molecular consequence: missense variant. On other transcripts: non-coding transcript variant (3), intron variant (3).
Genome position (GRCh38, 1-based): chr8:144,513,357, C>G on the plus strand (G>C on the coding strand, the complement: RECQL4 is on the minus strand). VCF-style: chr8-144513357-C-G. GRCh37 (hg19) VCF-style: chr8-145738740-C-G.
Other names: c.1055G>C, p.Gly352Ala (NM_001413031.1); c.1187G>C, p.Gly396Ala (NM_001413032.1, NM_001413041.1, NM_001413027.1 and 1 more transcripts); c.2192G>C, p.Gly731Ala (NM_001413033.1); c.1253G>C, p.Gly418Ala (NM_001413034.1, NM_001413035.1, NM_001413040.1 and 5 more transcripts); c.2324G>C, p.Gly775Ala (NM_001413036.1, NM_001413019.1); c.1121G>C, p.Gly374Ala (NM_001413037.1); c.2294G>C, p.Gly765Ala (NM_001413039.1); c.1223G>C, p.Gly408Ala (NM_001413042.1); and 7 more; short protein forms G765A, G396A, G732A, G408A, G658A, G731A, G743A, G286A.
Identifiers: ClinVar variation 4628994 (VCV004628994.1).